The following is an entry in ClinVar:

NM_000288.4(PEX7):c.275T>C (p.Leu92Pro)

Gene: PEX7 (peroxisomal biogenesis factor 7; plus strand). Cytogenetic location: 6q23.3.
Variant type: single nucleotide variant.
Coding change: c.275T>C on transcript NM_000288.4 (MANE Select); coding-DNA position 275, T replaced by C.
Protein change: p.Leu92Pro; replaces leucine 92 with proline.
Molecular consequence: missense variant.
Genome position (GRCh38, 1-based): chr6:136,826,405, T>C. VCF-style: chr6-136826405-T-C. GRCh37 (hg19) VCF-style: chr6-137147543-T-C.
Other names: c.161T>C, p.Leu54Pro (NM_001410945.1); short protein forms L54P, L92P.
Identifiers: ClinVar variation 2748271 (VCV002748271.3), dbSNP rs2548072104, ClinGen allele CA365855902.

ClinVar aggregate classification (germline): Uncertain significance (1 of 4 stars; one submission).

Conditions:
Peroxisome biogenesis disorder 9B. Also called: PEX7-Related Refsum Disease; PEROXISOME BIOGENESIS DISORDER, PEX7-RELATED, ATYPICAL; Refsum disease, adult, 2. Identifiers: Orphanet 773, MedGen C2749346, MONDO:0013945, OMIM 614879.

Submission:

Labcorp Genetics (formerly Invitae), Labcorp
Classification: Uncertain significance for Peroxisome biogenesis disorder 9B. Last evaluated: 2023-10-04. Review status: criteria provided, single submitter. Criteria: Invitae Variant Classification Sherloc (09022015). Collection method: clinical testing. Allele origin: germline.
Comment: This sequence change replaces leucine, which is neutral and non-polar, with proline, which is neutral and non-polar, at codon 92 of the PEX7 protein (p.Leu92Pro). This variant is not present in population databases (gnomAD no frequency). This variant has not been reported in the literature in individuals affected with PEX7-related conditions. An algorithm developed to predict the effect of missense changes on protein structure and function (PolyPhen-2) suggests that this variant is likely to be disruptive. In summary, the available evidence is currently insufficient to determine the role of this variant in disease. Therefore, it has been classified as a Variant of Uncertain Significance.